The following is an entry in ClinVar:

NM_000193.4(SHH):c.*5G>A

Gene: SHH (sonic hedgehog signaling molecule; minus strand). Cytogenetic location: 7q36.3.
Variant type: single nucleotide variant.
Coding change: c.*5G>A on transcript NM_000193.4 (MANE Select); 5 bases downstream of the stop codon, G replaced by A.
Molecular consequence: 3 prime UTR variant. On other transcripts: intron variant (1).
Genome position (GRCh38, 1-based): chr7:155,802,895, C>T on the plus strand (G>A on the coding strand, the complement: SHH is on the minus strand). VCF-style: chr7-155802895-C-T. GRCh37 (hg19) VCF-style: chr7-155595589-C-T.
Other names: c.302-2650G>A (NM_001310462.2).
Identifiers: ClinVar variation 3053709 (VCV003053709.2), dbSNP rs752371542, ClinGen allele CA4586871.

ClinVar aggregate classification (germline): Likely benign (0 of 4 stars; one submission).

Conditions:
SHH-related disorder. Also called: SHH-related disorders; SHH-related condition.

Allele frequency attached by ClinVar (database versions not stated): ExAC 0.00006.

Submission:

PreventionGenetics, part of Exact Sciences
Classification: Likely benign for SHH-related condition. Last evaluated: 2022-03-01. Review status: no assertion criteria provided. Collection method: clinical testing. Allele origin: germline.
Comment: This variant is classified as likely benign based on ACMG/AMP sequence variant interpretation guidelines (Richards et al. 2015 PMID: 25741868, with internal and published modifications).